The following is an entry in ClinVar:

NM_001042492.3(NF1):c.484C>A (p.Gln162Lys)

Gene: NF1 (neurofibromin 1; plus strand). Cytogenetic location: 17q11.2.
Variant type: single nucleotide variant.
Coding change: c.484C>A on transcript NM_001042492.3 (MANE Select); coding-DNA position 484, C replaced by A.
Protein change: p.Gln162Lys; replaces glutamine 162 with lysine.
Molecular consequence: missense variant.
Genome position (GRCh38, 1-based): chr17:31,169,895, C>A. VCF-style: chr17-31169895-C-A. GRCh37 (hg19) VCF-style: chr17-29496913-C-A.
Other names: c.484C>A, p.Gln162Lys (NM_000267.4, NM_001128147.3); short protein forms Q162K.
Identifiers: ClinVar variation 584926 (VCV000584926.9), dbSNP rs1555607073, ClinGen allele CA398984662.

ClinVar aggregate classification (germline): Conflicting classifications of pathogenicity. Review status: criteria provided, conflicting classifications (1 of 4 stars). 4 submissions from 4 submitters: Uncertain significance (3); Likely benign (1). Last evaluated 2025-05-05.

Conditions:
Cardiovascular phenotype. Identifiers: MedGen CN230736.
Hereditary cancer-predisposing syndrome. Also called: Neoplastic Syndromes, Hereditary; Hereditary Cancer Syndrome; Tumor predisposition; Hereditary neoplastic syndrome. Identifiers: Orphanet 140162, MedGen C0027672, MeSH D009386, MONDO:0015356.
Neurofibromatosis, type 1 (NF1). Also called: Peripheral type neurofibromatosis; VON RECKLINGHAUSEN DISEASE; NEUROFIBROMATOSIS, TYPE I, SOMATIC; Neurofibromatosis, type I. Identifiers: Orphanet 636, MedGen C0027831, MONDO:0018975, OMIM 162200. Disease mechanism: loss of function.

Submissions (4):

Labcorp Genetics (formerly Invitae), Labcorp
Classification: Likely benign for Neurofibromatosis, type 1. Last evaluated: 2025-05-05. Review status: criteria provided, single submitter. Criteria: Invitae Variant Classification Sherloc (09022015). Collection method: clinical testing. Allele origin: germline.

Ambry Genetics
Classification: Uncertain significance for Cardiovascular phenotype; Hereditary cancer-predisposing syndrome. Last evaluated: 2025-03-19. Review status: criteria provided, single submitter. Criteria: Ambry Variant Classification Scheme 2023. Collection method: clinical testing. Allele origin: germline.
Comment: The p.Q162K variant (also known as c.484C>A), located in coding exon 5 of the NF1 gene, results from a C to A substitution at nucleotide position 484. The glutamine at codon 162 is replaced by lysine, an amino acid with similar properties. This amino acid position is highly conserved in available vertebrate species. In addition, the in silico prediction for this alteration is inconclusive. Based on the available evidence, the clinical significance of this variant remains unclear.

Genome-Nilou Lab
Classification: Uncertain significance for Neurofibromatosis, type 1. Last evaluated: 2022-03-15. Review status: criteria provided, single submitter. Criteria: ACMG Guidelines, 2015. Collection method: clinical testing. Allele origin: germline. Affected: no.

Mendelics
Classification: Uncertain significance for Neurofibromatosis, type 1. Last evaluated: 2018-07-02. Review status: criteria provided, single submitter. Criteria: Mendelics Assertion Criteria 2017. Collection method: clinical testing. Allele origin: unknown.